The following is an entry in ClinVar:

ClinVar aggregate classification (germline): Likely pathogenic (1 of 4 stars; one submission).

Submission:

Labcorp Genetics (formerly Invitae), Labcorp
Classification: Likely pathogenic. Last evaluated: 2024-07-16. Review status: criteria provided, single submitter. Criteria: Invitae Variant Classification Sherloc (09022015). Collection method: clinical testing. Allele origin: germline.
Comment: This sequence change results in a frameshift in the FOXL2 gene (p.Pro318Alafs*212). While this is not anticipated to result in nonsense mediated decay, it is expected to disrupt the last 59 amino acid(s) of the FOXL2 protein and extend the protein by 152 additional amino acid residues. The frequency data for this variant in the population databases is considered unreliable, as metrics indicate insufficient coverage at this position in the gnomAD database. This variant has not been reported in the literature in individuals affected with FOXL2-related conditions. This variant disrupts the C-terminus of the FOXL2 protein. Other variant(s) that disrupt this region (p.*377Leuext*156, p.Glu352Aspfs*4, p.Leu376Profs*154) have been observed in individuals with FOXL2-related conditions (PMID: 12529855, 18642388). This suggests that this may be a clinically significant region of the protein. In summary, the currently available evidence indicates that the variant is pathogenic, but additional data are needed to prove that conclusively. Therefore, this variant has been classified as Likely Pathogenic.

Literature cited by the submitters: PubMed 12529855; PubMed 18642388.

NM_023067.4(FOXL2):c.951_961del (p.Pro318fs)

Gene: FOXL2 (forkhead box L2; minus strand). Cytogenetic location: 3q22.3.
Variant type: Deletion.
Coding change: c.951_961del on transcript NM_023067.4 (MANE Select); coding-DNA positions 951 to 961, 11 bases deleted (GCCGCCGGGCC).
Protein change: p.Pro318fs; shifts the reading frame from proline 318.
Molecular consequence: frameshift variant.
Genome position (GRCh38, 1-based): chr3:138,945,762-138,945,772, GGCCCGGCGGC deleted on the plus strand (GCCGCCGGGCC on the coding strand, the reverse complement: FOXL2 is on the minus strand); deleting any 11 consecutive bases within chr3:138,945,762-138,945,775 gives the same sequence; the c. name uses the placement nearest the transcript's 3' end. VCF-style (leftmost placement, unchanged base first): chr3-138945761-TGGCCCGGCGGC-T. GRCh37 (hg19) VCF-style: chr3-138664603-TGGCCCGGCGGC-T.
Other names: short protein forms P318fs.
Identifiers: ClinVar variation 3659688 (VCV003659688.2).